The following is an entry in ClinVar:

NM_018136.5(ASPM):c.5886_5887del (p.Leu1963fs)

Gene: ASPM (assembly factor for spindle microtubules; minus strand). Cytogenetic location: 1q31.3.
Variant type: Microsatellite.
Coding change: c.5886_5887del on transcript NM_018136.5 (MANE Select); coding-DNA positions 5886 to 5887, 2 bases deleted (AC; older notation c.5886_5887delAC).
Protein change: p.Leu1963fs; shifts the reading frame from leucine 1963.
Molecular consequence: frameshift variant. On other transcripts: intron variant (1).
Genome position (GRCh38, 1-based): chr1:197,103,364-197,103,365, GT deleted on the plus strand (AC on the coding strand, the reverse complement: ASPM is on the minus strand); deleting any 2 consecutive bases within chr1:197,103,364-197,103,367 gives the same sequence; the c. name uses the placement nearest the transcript's 3' end. VCF-style (leftmost placement, unchanged base first): chr1-197103363-AGT-A. GRCh37 (hg19) VCF-style: chr1-197072493-AGT-A.
Other names: c.4066-7201_4066-7200del (NM_001206846.2); c.5886_5887del (NM_018136.4); short protein forms L1963fs.
Identifiers: ClinVar variation 3704362 (VCV003704362.3).

ClinVar aggregate classification (germline): Pathogenic. Review status: criteria provided, multiple submitters, no conflicts (2 of 4 stars). 2 submissions from 2 submitters: Pathogenic (2). Last evaluated 2026-04-07.

Submissions (2):

GeneDx
Classification: Pathogenic. Last evaluated: 2026-04-07. Review status: criteria provided, single submitter. Criteria: GeneDx Variant Classification Process June 2021. Collection method: clinical testing. Allele origin: germline.
Comment: Frameshift variant predicted to result in protein truncation or nonsense mediated decay in a gene for which loss of function is a known mechanism of disease; Not observed at significant frequency in large population cohorts (gnomAD); Observed with another ASPM variant in a patient with microcephaly in published literature (PMID: 29243349); This variant is associated with the following publications: (PMID: 29243349)

Labcorp Genetics (formerly Invitae), Labcorp
Classification: Pathogenic. Last evaluated: 2024-03-07. Review status: criteria provided, single submitter. Criteria: Invitae Variant Classification Sherloc (09022015). Collection method: clinical testing. Allele origin: germline.
Comment: This sequence change creates a premature translational stop signal (p.Leu1963Glufs*9) in the ASPM gene. It is expected to result in an absent or disrupted protein product. Loss-of-function variants in ASPM are known to be pathogenic (PMID: 19028728, 23611254). This variant is present in population databases (no rsID available, gnomAD 0.01%). This premature translational stop signal has been observed in individual(s) with primary microcephaly (PMID: 29243349). For these reasons, this variant has been classified as Pathogenic.

Literature cited by the submitters: PubMed 19028728 (cited by Labcorp Genetics (formerly Invitae), Labcorp); PubMed 23611254 (cited by Labcorp Genetics (formerly Invitae), Labcorp); PubMed 29243349 (cited by Labcorp Genetics (formerly Invitae), Labcorp).